The following is an entry in ClinVar:

NM_001365536.1(SCN9A):c.4183G>C (p.Gly1395Arg)

Genes: SCN1A-AS1 (SCN1A and SCN9A antisense RNA 1; plus strand), SCN9A (sodium voltage-gated channel alpha subunit 9; minus strand). Cytogenetic location: 2q24.3.
Variant type: single nucleotide variant.
Coding change: c.4183G>C on transcript NM_001365536.1 (MANE Select); coding-DNA position 4183, G replaced by C.
Protein change: p.Gly1395Arg; replaces glycine 1395 with arginine.
Molecular consequence: missense variant.
Genome position (GRCh38, 1-based): chr2:166,228,714, C>G on the plus strand (G>C on the coding strand, the complement: SCN9A is on the minus strand). VCF-style: chr2-166228714-C-G. GRCh37 (hg19) VCF-style: chr2-167085224-C-G.
Other names: c.4150G>C, p.Gly1384Arg (NM_002977.4); short protein forms G1384R, G1395R.
Identifiers: ClinVar variation 1975275 (VCV001975275.5), dbSNP rs2468976097, ClinGen allele CA349063257.
Genomic context (GRCh38, chr2:166,228,714, plus strand): 5'-ATTAAAATACCAAGCACTCATGAAATGGGACACTTACAACTTGAAGCAGAGATAGGTAAC[C>G]AAGTCCGACATTATCAAAGTTCACTTTCAGGTTTTTCCATCGCACATTTTGACTAACATT-3'
Protein context (NP_001352465.1, residues 1385-1405): LKVNFDNVGL[Gly1395Arg]YLSLLQVATF

ClinVar aggregate classification (germline): Uncertain significance (1 of 4 stars; one submission).

Conditions:
Generalized epilepsy with febrile seizures plus, type 7 (GEFSP7). Also called: GEFS+, TYPE 7. Identifiers: Orphanet 36387, MedGen C2751778, MONDO:0013470, OMIM 613863.
Neuropathy, hereditary sensory and autonomic, type 2A (HSAN2A). Also called: MORVAN DISEASE; NEUROPATHY, CONGENITAL SENSORY; NEUROPATHY, HEREDITARY SENSORY RADICULAR, AUTOSOMAL RECESSIVE; NEUROPATHY, HEREDITARY SENSORY, TYPE IIA; NEUROPATHY, PROGRESSIVE SENSORY, OF CHILDREN; ACROOSTEOLYSIS, GIACCAI TYPE. Identifiers: Orphanet 970, MedGen C2752089, MONDO:0024309, OMIM 201300.

Allele frequency attached by ClinVar (database versions not stated): gnomAD exomes below 0.00001.
gnomAD v4.1: 2 of 1,612,438 alleles (0.00012%); highest among the groups gnomAD compares: Non-Finnish European, 0.00017%; no homozygotes.

Submission:

Labcorp Genetics (formerly Invitae), Labcorp
Classification: Uncertain significance for Neuropathy, hereditary sensory and autonomic, type 2A; Generalized epilepsy with febrile seizures plus, type 7. Last evaluated: 2022-06-08. Review status: criteria provided, single submitter. Criteria: Invitae Variant Classification Sherloc (09022015). Collection method: clinical testing. Allele origin: germline.
Comment: In summary, the available evidence is currently insufficient to determine the role of this variant in disease. Therefore, it has been classified as a Variant of Uncertain Significance. Algorithms developed to predict the effect of missense changes on protein structure and function are either unavailable or do not agree on the potential impact of this missense change (SIFT: "Deleterious"; PolyPhen-2: "Benign"; Align-GVGD: "Class C25"). This variant has not been reported in the literature in individuals affected with SCN9A-related conditions. This variant is not present in population databases (gnomAD no frequency). This sequence change replaces glycine, which is neutral and non-polar, with arginine, which is basic and polar, at codon 1384 of the SCN9A protein (p.Gly1384Arg).